The following is an entry in ClinVar:

NM_001385875.1(ZFYVE27):c.727T>C (p.Phe243Leu)

Gene: ZFYVE27 (zinc finger FYVE-type containing 27; plus strand). Cytogenetic location: 10q24.2.
Variant type: single nucleotide variant.
Coding change: c.727T>C on transcript NM_001385875.1 (MANE Select); coding-DNA position 727, T replaced by C.
Protein change: p.Phe243Leu; replaces phenylalanine 243 with leucine.
Molecular consequence: missense variant. On other transcripts: non-coding transcript variant (16).
Genome position (GRCh38, 1-based): chr10:97,750,393, T>C. VCF-style: chr10-97750393-T-C. GRCh37 (hg19) VCF-style: chr10-99510150-T-C.
Other names: c.727T>C, p.Phe243Leu (NM_001002261.4, NM_001002262.4, NM_001385871.1 and 8 more transcripts); c.631T>C, p.Phe211Leu (NM_001174119.2, NM_001385885.1, NM_001385886.1 and 3 more transcripts); c.469T>C, p.Phe157Leu (NM_001174120.2, NM_001385901.1, NM_001385902.1 and 3 more transcripts); c.433T>C, p.Phe145Leu (NM_001174121.2, NM_001385915.1); c.373T>C, p.Phe125Leu (NM_001174122.2, NM_001385918.1); c.766T>C, p.Phe256Leu (NM_001385876.1); c.691T>C, p.Phe231Leu (NM_001385881.1); c.523T>C, p.Phe175Leu (NM_001385890.1, NM_001385891.1, NM_001385892.1 and 6 more transcripts); and 3 more; short protein forms F145L, F243L, F125L, F211L, F157L, F132L, F164L, F175L.
Identifiers: ClinVar variation 656867 (VCV000656867.8), dbSNP rs980483998, ClinGen allele CA212730878.

ClinVar aggregate classification (germline): Uncertain significance (1 of 4 stars; one submission).

Conditions:
Spastic paraplegia. Identifiers: MedGen C0037772, HP:0001258.

Allele frequency attached by ClinVar (database versions not stated): gnomAD 0.00001; gnomAD exomes 0.00001; TOPMed 0.00004.

Submission:

Labcorp Genetics (formerly Invitae), Labcorp
Classification: Uncertain significance for Spastic paraplegia. Last evaluated: 2023-08-04. Review status: criteria provided, single submitter. Criteria: Invitae Variant Classification Sherloc (09022015). Collection method: clinical testing. Allele origin: germline.
Comment: Algorithms developed to predict the effect of missense changes on protein structure and function output the following: SIFT: "Not Available"; PolyPhen-2: "Benign"; Align-GVGD: "Not Available". The leucine amino acid residue is found in multiple mammalian species, which suggests that this missense change does not adversely affect protein function. ClinVar contains an entry for this variant (Variation ID: 656867). This variant has not been reported in the literature in individuals affected with ZFYVE27-related conditions. This variant is present in population databases (no rsID available, gnomAD 0.009%). This sequence change replaces phenylalanine, which is neutral and non-polar, with leucine, which is neutral and non-polar, at codon 243 of the ZFYVE27 protein (p.Phe243Leu). In summary, the available evidence is currently insufficient to determine the role of this variant in disease. Therefore, it has been classified as a Variant of Uncertain Significance.